The following is an entry in ClinVar:

ClinVar aggregate classification (germline): Uncertain significance. Review status: criteria provided, multiple submitters, no conflicts (2 of 4 stars). 3 submissions from 3 submitters: Uncertain significance (3). Last evaluated 2025-10-26.

Conditions:
Acne inversa, familial, 1. Identifiers: MedGen C4551962, MONDO:0007728, OMIM 142690.

Allele frequency attached by ClinVar (database versions not stated): ExAC 0.00007; gnomAD exomes 0.00007 and 0.00011; TOPMed 0.00007; ESP Exome Variant Server 0.00008; gnomAD 0.00008 and 0.00009.
gnomAD v4.1: 185 of 1,614,018 alleles (0.011%); highest among the groups gnomAD compares: Non-Finnish European, 0.014%; no homozygotes.

Submissions (3):

Labcorp Genetics (formerly Invitae), Labcorp
Classification: Uncertain significance. Last evaluated: 2025-10-26. Review status: criteria provided, single submitter. Criteria: Invitae Variant Classification Sherloc (09022015). Collection method: clinical testing. Allele origin: germline.
Comment: This sequence change replaces glutamic acid, which is acidic and polar, with glycine, which is neutral and non-polar, at codon 357 of the NCSTN protein (p.Glu357Gly). This variant is present in population databases (rs150081670, gnomAD 0.02%). This variant has not been reported in the literature in individuals affected with NCSTN-related conditions. ClinVar contains an entry for this variant (Variation ID: 1520214). Invitae Evidence Modeling of protein sequence and biophysical properties (such as structural, functional, and spatial information, amino acid conservation, physicochemical variation, residue mobility, and thermodynamic stability) indicates that this missense variant is not expected to disrupt NCSTN protein function with a negative predictive value of 80%. In summary, the available evidence is currently insufficient to determine the role of this variant in disease. Therefore, it has been classified as a Variant of Uncertain Significance.

Blueprint Genetics
Classification: Uncertain significance. Last evaluated: 2024-05-31. Review status: criteria provided, single submitter. Criteria: ACMG Guidelines, 2015. Collection method: clinical testing. Allele origin: germline.

Department of Pathology and Laboratory Medicine, Sinai Health System
Classification: Uncertain significance for Acne inversa, familial, 1. Last evaluated: 2023-09-01. Review status: criteria provided, single submitter. Criteria: ACMG Guidelines, 2015. Collection method: research. Allele origin: germline.

NM_015331.3(NCSTN):c.1070A>G (p.Glu357Gly)

Gene: NCSTN (nicastrin; plus strand). Cytogenetic location: 1q23.2.
Variant type: single nucleotide variant.
Coding change: c.1070A>G on transcript NM_015331.3 (MANE Select); coding-DNA position 1070, A replaced by G.
Protein change: p.Glu357Gly; replaces glutamic acid 357 with glycine.
Molecular consequence: missense variant.
Genome position (GRCh38, 1-based): chr1:160,352,960, A>G. VCF-style: chr1-160352960-A-G. GRCh37 (hg19) VCF-style: chr1-160322750-A-G.
Other names: c.1010A>G, p.Glu337Gly (NM_001290184.2); c.656A>G, p.Glu219Gly (NM_001290186.2); c.1070A>G, p.Glu357Gly (NM_001349729.2); short protein forms E357G, E337G, E219G.
Identifiers: ClinVar variation 1520214 (VCV001520214.8), dbSNP rs150081670, ClinGen allele CA1198884.